The following is an entry in ClinVar:

NM_152722.5(HEPACAM):c.503G>C (p.Cys168Ser)

Gene: HEPACAM (hepatic and glial cell adhesion molecule; minus strand). Cytogenetic location: 11q24.2.
Variant type: single nucleotide variant.
Coding change: c.503G>C on transcript NM_152722.5 (MANE Select); coding-DNA position 503, G replaced by C.
Protein change: p.Cys168Ser; replaces cysteine 168 with serine.
Molecular consequence: missense variant.
Genome position (GRCh38, 1-based): chr11:124,923,935, C>G on the plus strand (G>C on the coding strand, the complement: HEPACAM is on the minus strand). VCF-style: chr11-124923935-C-G. GRCh37 (hg19) VCF-style: chr11-124793831-C-G.
Other names: short protein forms C168S.
Identifiers: ClinVar variation 452236 (VCV000452236.5), dbSNP rs780267215, ClinGen allele CA6345725.

ClinVar aggregate classification (germline): Uncertain significance (1 of 4 stars; one submission).

Allele frequency attached by ClinVar (database versions not stated): gnomAD exomes below 0.00001; ExAC 0.00001.
gnomAD v4.1: 1 of 1,612,998 alleles (0.000062%); highest among the groups gnomAD compares: Admixed American, 0.0017%; no homozygotes.

Submission:

GeneDx
Classification: Uncertain significance. Last evaluated: 2024-08-13. Review status: criteria provided, single submitter. Criteria: GeneDx Variant Classification Process June 2021. Collection method: clinical testing. Allele origin: germline. Affected: yes.
Comment: Not observed at significant frequency in large population cohorts (gnomAD); In silico analysis supports that this missense variant has a deleterious effect on protein structure/function; Has not been previously published as pathogenic or benign to our knowledge